The following is an entry in ClinVar:

ClinVar aggregate classification (germline): Uncertain significance (1 of 4 stars; one submission).

gnomAD v4.1: 1 of 1,614,184 alleles (0.000062%); highest among the groups gnomAD compares: Non-Finnish European, 0.000085%; no homozygotes.

Submission:

Labcorp Genetics (formerly Invitae), Labcorp
Classification: Uncertain significance. Last evaluated: 2024-11-27. Review status: criteria provided, single submitter. Criteria: Invitae Variant Classification Sherloc (09022015). Collection method: clinical testing. Allele origin: germline.
Comment: This sequence change replaces lysine, which is basic and polar, with glutamic acid, which is acidic and polar, at codon 938 of the KCNH1 protein (p.Lys938Glu). This variant is present in population databases (rs765293133, gnomAD 0.0009%). This variant has not been reported in the literature in individuals affected with KCNH1-related conditions. Invitae Evidence Modeling of protein sequence and biophysical properties (such as structural, functional, and spatial information, amino acid conservation, physicochemical variation, residue mobility, and thermodynamic stability) has been performed for this missense variant. However, the output from this modeling did not meet the statistical confidence thresholds required to predict the impact of this variant on KCNH1 protein function. In summary, the available evidence is currently insufficient to determine the role of this variant in disease. Therefore, it has been classified as a Variant of Uncertain Significance.

NM_172362.3(KCNH1):c.2812A>G (p.Lys938Glu)

Gene: KCNH1 (potassium voltage-gated channel subfamily H member 1; minus strand). Cytogenetic location: 1q32.2.
Variant type: single nucleotide variant.
Coding change: c.2812A>G on transcript NM_172362.3 (MANE Select); coding-DNA position 2812, A replaced by G.
Protein change: p.Lys938Glu; replaces lysine 938 with glutamic acid.
Molecular consequence: missense variant.
Genome position (GRCh38, 1-based): chr1:210,683,439, T>C on the plus strand (A>G on the coding strand, the complement: KCNH1 is on the minus strand). VCF-style: chr1-210683439-T-C. GRCh37 (hg19) VCF-style: chr1-210856781-T-C.
Other names: c.2731A>G, p.Lys911Glu (NM_002238.4); short protein forms K911E, K938E.
Identifiers: ClinVar variation 3633720 (VCV003633720.2).